The following is an entry in ClinVar:

NM_001384140.1(PCDH15):c.3753dup (p.Val1252fs)

Gene: PCDH15 (protocadherin related 15; minus strand). Cytogenetic location: 10q21.1.
Variant type: Duplication.
Coding change: c.3753dup on transcript NM_001384140.1 (MANE Select); coding-DNA position 3753, one base duplicated (T; older notation c.3753dupT).
Protein change: p.Val1252fs; shifts the reading frame from valine 1252.
Molecular consequence: frameshift variant.
Genome position (GRCh38, 1-based): chr10:53,857,228, A duplicated on the plus strand (T on the coding strand, the reverse complement: PCDH15 is on the minus strand); the first of 2 consecutive A bases (chr10:53,857,228-53,857,229); duplicating either gives the same sequence. VCF-style (leftmost placement, unchanged base first): chr10-53857227-C-CA. GRCh37 (hg19) VCF-style: chr10-55616987-C-CA.
Other names: c.3768dup, p.Val1257fs (NM_001142763.2, NM_001142771.2); c.3753dup, p.Val1252fs (NM_001142764.2, NM_001142766.2, NM_001142770.3 and 4 more transcripts); c.3540dup, p.Val1181fs (NM_001142765.2); c.3642dup, p.Val1215fs (NM_001142767.2); c.3687dup, p.Val1230fs (NM_001142768.2, NM_001142773.2, NM_001354404.2); c.3788dup, p.Val1264Cysfs (NM_001142769.4); c.3774dup, p.Val1259fs (NM_001354411.2); short protein forms V1181fs, V1230fs, V1259fs, V1215fs, V1252fs, V1257fs, V1264fs.
Identifiers: ClinVar variation 2107796 (VCV002107796.4), dbSNP rs2493176179, ClinGen allele CA2580081600.

ClinVar aggregate classification (germline): Pathogenic (1 of 4 stars; one submission).

Submission:

Labcorp Genetics (formerly Invitae), Labcorp
Classification: Pathogenic. Last evaluated: 2022-03-09. Review status: criteria provided, single submitter. Criteria: Invitae Variant Classification Sherloc (09022015). Collection method: clinical testing. Allele origin: germline.
Comment: This sequence change creates a premature translational stop signal (p.Val1252Cysfs*56) in the PCDH15 gene. It is expected to result in an absent or disrupted protein product. Loss-of-function variants in PCDH15 are known to be pathogenic (PMID: 11398101, 11487575, 14570705). This variant is not present in population databases (gnomAD no frequency). This variant has not been reported in the literature in individuals affected with PCDH15-related conditions. For these reasons, this variant has been classified as Pathogenic.

Literature cited by the submitters: PubMed 11398101; PubMed 11487575; PubMed 14570705.